The following is an entry in ClinVar:

ClinVar aggregate classification (germline): Uncertain significance. Review status: criteria provided, multiple submitters, no conflicts (2 of 4 stars). 3 submissions from 3 submitters: Uncertain significance (3). Last evaluated 2025-08-26.

Conditions:
Hereditary cancer-predisposing syndrome. Also called: Hereditary neoplastic syndrome; Hereditary Cancer Syndrome; Tumor predisposition; Neoplastic Syndromes, Hereditary. Identifiers: Orphanet 140162, MedGen C0027672, MeSH D009386, MONDO:0015356.

gnomAD v4.1: 1 of 1,614,154 alleles (0.000062%); highest among the groups gnomAD compares: Non-Finnish European, 0.000085%; no homozygotes.

Submissions (3):

Ambry Genetics
Classification: Uncertain significance for Hereditary cancer-predisposing syndrome. Last evaluated: 2025-08-26. Review status: criteria provided, single submitter. Criteria: Ambry Variant Classification Scheme 2023. Collection method: clinical testing. Allele origin: germline.
Comment: The p.L135V variant (also known as c.403C>G), located in coding exon 4 of the SMARCB1 gene, results from a C to G substitution at nucleotide position 403. The leucine at codon 135 is replaced by valine, an amino acid with highly similar properties. This amino acid position is conserved. In addition, the in silico prediction for this alteration is inconclusive. Based on the available evidence, the clinical significance of this variant remains unclear.

Women's Health and Genetics/Laboratory Corporation of America, LabCorp
Classification: Uncertain significance. Last evaluated: 2024-06-21. Review status: criteria provided, single submitter. Criteria: LabCorp Variant Classification Summary - May 2015. Collection method: clinical testing. Allele origin: germline.
Comment: Variant summary: SMARCB1 c.403C>G (p.Leu135Val) results in a conservative amino acid change in the encoded protein sequence. Three of five in-silico tools predict a damaging effect of the variant on protein function. The variant was absent in 251490 control chromosomes. The available data on variant occurrences in the general population are insufficient to allow any conclusion about variant significance. To our knowledge, no occurrence of c.403C>G in individuals affected with Coffin-Siris Syndrome and no experimental evidence demonstrating its impact on protein function have been reported. ClinVar contains an entry for this variant (Variation ID: 2005109). Based on the evidence outlined above, the variant was classified as uncertain significance.

Labcorp Genetics (formerly Invitae), Labcorp
Classification: Uncertain significance. Last evaluated: 2024-06-11. Review status: criteria provided, single submitter. Criteria: Invitae Variant Classification Sherloc (09022015). Collection method: clinical testing. Allele origin: germline.
Comment: This sequence change replaces leucine, which is neutral and non-polar, with valine, which is neutral and non-polar, at codon 135 of the SMARCB1 protein (p.Leu135Val). This variant is not present in population databases (gnomAD no frequency). This variant has not been reported in the literature in individuals affected with SMARCB1-related conditions. ClinVar contains an entry for this variant (Variation ID: 2005109). Advanced modeling of protein sequence and biophysical properties (such as structural, functional, and spatial information, amino acid conservation, physicochemical variation, residue mobility, and thermodynamic stability) performed at Invitae indicates that this missense variant is not expected to disrupt SMARCB1 protein function with a negative predictive value of 80%. In summary, the available evidence is currently insufficient to determine the role of this variant in disease. Therefore, it has been classified as a Variant of Uncertain Significance.

NM_003073.5(SMARCB1):c.403C>G (p.Leu135Val)

Gene: SMARCB1 (SWI/SNF related BAF chromatin remodeling complex subunit B1; plus strand). Cytogenetic location: 22q11.23.
Variant type: single nucleotide variant.
Coding change: c.403C>G on transcript NM_003073.5 (MANE Select); coding-DNA position 403, C replaced by G.
Protein change: p.Leu135Val; replaces leucine 135 with valine.
Molecular consequence: missense variant.
Genome position (GRCh38, 1-based): chr22:23,800,984, C>G. VCF-style: chr22-23800984-C-G. GRCh37 (hg19) VCF-style: chr22-24143171-C-G.
Other names: c.376C>G, p.Leu126Val (NM_001007468.3, NM_001317946.2); c.403C>G, p.Leu135Val (NM_001362877.2); short protein forms L135V, L126V.
Identifiers: ClinVar variation 2005109 (VCV002005109.6), dbSNP rs2145978271, ClinGen allele CA410934377.